The following is an entry in ClinVar:

ClinVar aggregate classification (germline): Pathogenic (1 of 4 stars; one submission).

Submission:

Labcorp Genetics (formerly Invitae), Labcorp
Classification: Pathogenic. Last evaluated: 2024-06-19. Review status: criteria provided, single submitter. Criteria: Invitae Variant Classification Sherloc (09022015). Collection method: clinical testing. Allele origin: germline.
Comment: This sequence change creates a premature translational stop signal (p.Cys455Serfs*14) in the C7 gene. It is expected to result in an absent or disrupted protein product. Loss-of-function variants in C7 are known to be pathogenic (PMID: 9856499, 17407100). The frequency data for this variant in the population databases is considered unreliable, as metrics indicate poor data quality at this position in the gnomAD database. This variant has not been reported in the literature in individuals affected with C7-related conditions. For these reasons, this variant has been classified as Pathogenic.

Literature cited by the submitters: PubMed 9856499; PubMed 17407100.

NM_000587.4(C7):c.1362_1363del (p.Cys455fs)

Gene: C7 (complement C7; plus strand). Cytogenetic location: 5p13.1.
Variant type: Deletion.
Coding change: c.1362_1363del on transcript NM_000587.4 (MANE Select); coding-DNA positions 1362 to 1363, 2 bases deleted (CT; older notation c.1362_1363delCT).
Protein change: p.Cys455fs; shifts the reading frame from cysteine 455.
Molecular consequence: frameshift variant.
Genome position (GRCh38, 1-based): chr5:40,958,134-40,958,135, CT deleted. VCF-style (leftmost placement, unchanged base first): chr5-40958133-CCT-C. GRCh37 (hg19) VCF-style: chr5-40958235-CCT-C.
Other names: short protein forms C455fs.
Identifiers: ClinVar variation 3696725 (VCV003696725.2).
Genomic context (GRCh38, chr5:40,958,133, plus strand): 5'-CCTCTGTGAAAAAACTATACCTGAAATGGGCTCTTGAAGAGTATCTGGATGAATTTGACC[CCT>C]GTCATTGCCGGCCTTGTCAAAATGGTGGTTTGGCTACTGTTGAGGGGACCCATTGTCTGT-3'